The following is an entry in ClinVar:

ClinVar aggregate classification (germline): Uncertain significance (1 of 4 stars; one submission).

Conditions:
Autosomal recessive limb-girdle muscular dystrophy type 2J (LGMDR10). Also called: Limb-girdle muscular dystrophy, type 2J; MUSCULAR DYSTROPHY, LIMB-GIRDLE, AUTOSOMAL RECESSIVE 10. Identifiers: Orphanet 140922, MedGen C1837342, MONDO:0012127, OMIM 608807.
Dilated cardiomyopathy 1G (CMD1G). Identifiers: Orphanet 154, MedGen C1858763, MONDO:0011400, OMIM 604145.

Submission:

Labcorp Genetics (formerly Invitae), Labcorp
Classification: Uncertain significance for Dilated cardiomyopathy 1G; Autosomal recessive limb-girdle muscular dystrophy type 2J. Last evaluated: 2024-07-03. Review status: criteria provided, single submitter. Criteria: Invitae Variant Classification Sherloc (09022015). Collection method: clinical testing. Allele origin: germline.
Comment: This sequence change replaces arginine, which is basic and polar, with serine, which is neutral and polar, at codon 34079 of the TTN protein (p.Arg34079Ser). This variant is not present in population databases (gnomAD no frequency). This variant has not been reported in the literature in individuals affected with TTN-related conditions. Experimental studies and prediction algorithms are not available or were not evaluated, and the functional significance of this variant is currently unknown. This variant is located in the M band of TTN (PMID: 25589632). Non-truncating variants in this region may be relevant for neuromuscular disorders, but have not been definitively shown to cause cardiomyopathy (PMID: 23975875). In summary, the available evidence is currently insufficient to determine the role of this variant in disease. Therefore, it has been classified as a Variant of Uncertain Significance.

Literature cited by the submitters: PubMed 25589632; PubMed 23975875.

NM_001267550.2(TTN):c.102237A>T (p.Arg34079Ser)

Genes: TTN-AS1 (TTN antisense RNA 1; plus strand), TTN (titin; minus strand). Cytogenetic location: 2q31.2.
Variant type: single nucleotide variant.
Coding change: c.102237A>T on transcript NM_001267550.2 (MANE Select); coding-DNA position 102237, A replaced by T.
Protein change: p.Arg34079Ser; replaces arginine 34079 with serine.
Molecular consequence: missense variant.
Genome position (GRCh38, 1-based): chr2:178,534,378, T>A on the plus strand (A>T on the coding strand, the complement: TTN is on the minus strand). VCF-style: chr2-178534378-T-A. GRCh37 (hg19) VCF-style: chr2-179399105-T-A.
Other names: c.97314A>T, p.Arg32438Ser (NM_001256850.1); c.75042A>T, p.Arg25014Ser (NM_003319.4); c.94533A>T, p.Arg31511Ser (NM_133378.4); c.75417A>T, p.Arg25139Ser (NM_133432.3); c.75618A>T, p.Arg25206Ser (NM_133437.4); short protein forms R25014S, R25139S, R25206S, R31511S, R32438S, R34079S.
Identifiers: ClinVar variation 3753036 (VCV003753036.2).